The following is an entry in ClinVar:

ClinVar aggregate classification (germline): Likely benign (1 of 4 stars; one submission).

Allele frequency attached by ClinVar (database versions not stated): gnomAD 0.00006; TOPMed 0.00003 and 0.00006.
gnomAD v4.1: 49 of 1,547,216 alleles (0.0032%); highest among the groups gnomAD compares: African/African-American, 0.021%; no homozygotes.

Submission:

GeneDx
Classification: Likely benign. Last evaluated: 2017-06-26. Review status: criteria provided, single submitter. Criteria: GeneDx Variant Classification (06012015). Collection method: clinical testing. Allele origin: germline. Affected: yes.
Comment: This variant is considered likely benign or benign based on one or more of the following criteria: it is a conservative change, it occurs at a poorly conserved position in the protein, it is predicted to be benign by multiple in silico algorithms, and/or has population frequency not consistent with disease.

NM_001070.5(TUBG1):c.-16C>T

Gene: TUBG1 (tubulin gamma 1; plus strand). Cytogenetic location: 17q21.2.
Variant type: single nucleotide variant.
Coding change: c.-16C>T on transcript NM_001070.5 (MANE Select); 16 bases upstream of the start codon, C replaced by T.
Molecular consequence: 5 prime UTR variant.
Genome position (GRCh38, 1-based): chr17:42,609,722, C>T. VCF-style: chr17-42609722-C-T. GRCh37 (hg19) VCF-style: chr17-40761740-C-T.
Identifiers: ClinVar variation 510038 (VCV000510038.1), dbSNP rs998269947, ClinGen allele CA290798647.